The following is an entry in ClinVar:

NM_001083962.2(TCF4):c.1486G>T (p.Gly496Cys)

Gene: TCF4 (transcription factor 4; minus strand). Cytogenetic location: 18q21.2.
Variant type: single nucleotide variant.
Coding change: c.1486G>T on transcript NM_001083962.2 (MANE Select); coding-DNA position 1486, G replaced by T.
Protein change: p.Gly496Cys; replaces glycine 496 with cysteine.
Molecular consequence: missense variant.
Genome position (GRCh38, 1-based): chr18:55,234,548, C>A on the plus strand (G>T on the coding strand, the complement: TCF4 is on the minus strand). VCF-style: chr18-55234548-C-A. GRCh37 (hg19) VCF-style: chr18-52901779-C-A.
Other names: c.1411G>T, p.Gly471Cys (NM_001348220.1, NM_001369576.1, NM_001369577.1 and 6 more transcripts); c.1792G>T, p.Gly598Cys (NM_001243226.3); c.1414G>T, p.Gly472Cys (NM_001243227.2, NM_001348217.1, NM_001348218.2 and 5 more transcripts); c.1504G>T, p.Gly502Cys (NM_001243228.2); c.1477G>T, p.Gly493Cys (NM_001243230.2); c.1360G>T, p.Gly454Cys (NM_001243231.2, NM_001348211.2); c.1273G>T, p.Gly425Cys (NM_001243232.1, NM_001306208.1); c.1096G>T, p.Gly366Cys (NM_001243233.2, NM_001330605.3, NM_001348212.2 and 1 more transcripts); and 6 more; short protein forms G280C, G335C, G336C, G366C, G425C, G454C, G471C, G472C.
Identifiers: ClinVar variation 690393 (VCV000690393.4), dbSNP rs1599570613, ClinGen allele CA402531414.

ClinVar aggregate classification (germline): Likely pathogenic. Review status: reviewed by expert panel (3 of 4 stars). 2 submissions from 2 submitters: Likely pathogenic (1). 1 of the submissions does not count toward it. Last evaluated 2021-05-11.

Conditions:
Pitt-Hopkins syndrome (PTHS). Also called: ENCEPHALOPATHY, SEVERE EPILEPTIC, WITH AUTONOMIC DYSFUNCTION; MENTAL RETARDATION, SYNDROMAL, WITH INTERMITTENT HYPERVENTILATION. Identifiers: Orphanet 2896, MedGen C1970431, MONDO:0012589, OMIM 610954.

Submissions (2):

ClinGen Rett and Angelman-like Disorders Variant Curation Expert Panel
Classification: Likely pathogenic for Pitt-Hopkins syndrome. Last evaluated: 2021-05-11. Review status: reviewed by expert panel. Criteria: ClinGen RettAS ACMG Specifications V1. Collection method: curation. Allele origin: germline. Inheritance: Autosomal dominant inheritance.
Comment: The p.Gly496Cys variant in TCF4 is absent from gnomAD (PM2_supporting). This variant occurs at the last amino acid residue in exon 16 and is predicted to affect the canonical splice donor site in intron 16 by several splice prediction programs. In summary, the p.Gly496Cys variant in TCF4 is classified as Likely Pathogenic based on the ACMG/AMP criteria (PS2, PM2_supporting, PP3).

HudsonAlpha Institute for Biotechnology
Classification: Likely pathogenic for Pitt-Hopkins syndrome. Last evaluated: 2019-02-04. Review status: criteria provided, single submitter. Criteria: ACMG Guidelines, 2015. Collection method: research. Allele origin: de novo. Affected: yes. Observed: 1 variant allele. Study: HudsonAlpha-AGHI-WGS. Not counted in ClinVar's aggregate classification.